The following is an entry in ClinVar:

NC_012920.1(MT-TA):m.5608C>T

Gene: MT-TA (mitochondrially encoded tRNA alanine; minus strand).
Variant type: single nucleotide variant.
Genome position: chrM-5608-C-T.
Identifiers: ClinVar variation 689957 (VCV000689957.1), dbSNP rs1603220057, ClinGen allele CA913179990.

ClinVar aggregate classification (germline): Likely benign (1 of 4 stars; one submission).

Conditions:
MELAS syndrome (MELAS). Also called: Juvenile myopathy, encephalopathy, lactic acidosis, stroke. Identifiers: Orphanet 550, MedGen C0162671, MONDO:0010789, OMIM 540000.

Submission:

Wong Mito Lab, Molecular and Human Genetics, Baylor College of Medicine
Classification: Likely benign for MELAS syndrome. Last evaluated: 2019-07-12. Review status: criteria provided, single submitter. Criteria: Modified ACMG Guidelines (Unpublished). Collection method: clinical testing. Allele origin: germline.
Comment: The NC_012920.1:m.5608C>T variant in MT-TA gene is interpreted to be a Likely Benign variant based on the modified ACMG guidelines (unpublished). This variant meets the following evidence codes reported in the guidelines: BS2, BP4, BP6

Literature cited by the submitters: PubMed 31965079.